The following is an entry in ClinVar:

ClinVar aggregate classification (germline): Benign. Review status: criteria provided, multiple submitters, no conflicts (2 of 4 stars). 6 submissions from 6 submitters: Benign (6). Last evaluated 2026-01-31.

Conditions:
Mitochondrial trifunctional protein deficiency. Identifiers: Orphanet 746, MedGen C1969443, MONDO:0012172.
Mitochondrial trifunctional protein deficiency 2 (MTPD2). Identifiers: MedGen C5830374, MONDO:0958185, OMIM 620300.

Allele frequency attached by ClinVar (database versions not stated): gnomAD exomes 0.00098 and 0.00239; ExAC 0.00276; gnomAD 0.00632 and 0.00660; ESP Exome Variant Server 0.00669; TOPMed 0.00696; 1000 Genomes Project 30x 0.00906; 1000 Genomes Project 0.01258.
gnomAD v4.1: 2,460 of 1,612,892 alleles (0.15%); highest among the groups gnomAD compares: African/African-American, 2.1%; 19 homozygotes.

Submissions (6):

Labcorp Genetics (formerly Invitae), Labcorp
Classification: Benign for Mitochondrial trifunctional protein deficiency. Last evaluated: 2026-01-31. Review status: criteria provided, single submitter. Criteria: Invitae Variant Classification Sherloc (09022015). Collection method: clinical testing. Allele origin: germline.

ARUP Laboratories, Molecular Genetics and Genomics, ARUP Laboratories
Classification: Benign for Mitochondrial trifunctional protein deficiency 2. Last evaluated: 2023-11-22. Review status: criteria provided, single submitter. Criteria: ARUP Molecular Germline Variant Investigation Process 2024. Collection method: clinical testing. Allele origin: germline.

Mayo Clinic Laboratories, Mayo Clinic
Classification: Benign. Last evaluated: 2019-02-28. Review status: criteria provided, single submitter. Criteria: ACMG Guidelines, 2015. Collection method: clinical testing. Allele origin: germline. Observed: 10 variant alleles.

Illumina Laboratory Services, Illumina
Classification: Benign for Mitochondrial trifunctional protein deficiency 1. Last evaluated: 2018-01-12. Review status: criteria provided, single submitter. Criteria: ICSL Variant Classification Criteria 13 December 2019. Collection method: clinical testing. Allele origin: germline.
Comment: This variant was observed in the ICSL laboratory as part of a predisposition screen in an ostensibly healthy population. It had not been previously curated by ICSL or reported in the Human Gene Mutation Database (HGMD: prior to June 1st, 2018), and was therefore a candidate for classification through an automated scoring system. Utilizing variant allele frequency, disease prevalence and penetrance estimates, and inheritance mode, an automated score was calculated to assess if this variant is too frequent to cause the disease. Based on the score and internal cut-off values, a variant classified as benign is not then subjected to further curation. The score for this variant resulted in a classification of benign for this disease.

GeneDx
Classification: Benign. Last evaluated: 2014-10-08. Review status: criteria provided, single submitter. Criteria: GeneDx Variant Classification (06012015). Collection method: clinical testing. Allele origin: germline. Affected: yes.
Comment: This variant is considered likely benign or benign based on one or more of the following criteria: it is a conservative change, it occurs at a poorly conserved position in the protein, it is predicted to be benign by multiple in silico algorithms, and/or has population frequency not consistent with disease.

Breakthrough Genomics
Classification: Benign. Review status: criteria provided, single submitter. Criteria: ACMG Guidelines, 2015. Collection method: not provided. Allele origin: germline. Inheritance: Autosomal recessive inheritance. Affected: yes.

NM_000183.3(HADHB):c.780C>T (p.Leu260=)

Gene: HADHB (hydroxyacyl-CoA dehydrogenase trifunctional multienzyme complex subunit beta; plus strand). Cytogenetic location: 2p23.3.
Variant type: single nucleotide variant.
Coding change: c.780C>T on transcript NM_000183.3 (MANE Select); coding-DNA position 780, C replaced by T.
Protein change: p.Leu260=; no amino-acid change (leucine 260 retained).
Molecular consequence: synonymous variant.
Genome position (GRCh38, 1-based): chr2:26,279,284, C>T. VCF-style: chr2-26279284-C-T. GRCh37 (hg19) VCF-style: chr2-26502152-C-T.
Other names: p.L260L:CTC>CTT; p.Leu260=; c.735C>T, p.Leu245= (NM_001281512.2); c.714C>T, p.Leu238= (NM_001281513.2).
Identifiers: ClinVar variation 203748 (VCV000203748.17), dbSNP rs7607527, ClinGen allele CA312587.